The following is an entry in ClinVar:

NM_015404.4(WHRN):c.2656G>A (p.Glu886Lys)

Gene: WHRN (whirlin; minus strand). Cytogenetic location: 9q32.
Variant type: single nucleotide variant.
Coding change: c.2656G>A on transcript NM_015404.4 (MANE Select); coding-DNA position 2656, G replaced by A.
Protein change: p.Glu886Lys; replaces glutamic acid 886 with lysine.
Molecular consequence: missense variant.
Genome position (GRCh38, 1-based): chr9:114,402,822, C>T on the plus strand (G>A on the coding strand, the complement: WHRN is on the minus strand). VCF-style: chr9-114402822-C-T. GRCh37 (hg19) VCF-style: chr9-117165102-C-T.
Other names: c.1507G>A, p.Glu503Lys (NM_001083885.3); c.2653G>A, p.Glu885Lys (NM_001173425.2); c.1603G>A, p.Glu535Lys (NM_001346890.1); short protein forms E885K, E503K, E535K, E886K.
Identifiers: ClinVar variation 1375663 (VCV001375663.5), dbSNP rs920350403, ClinGen allele CA198648756.

ClinVar aggregate classification (germline): Uncertain significance (1 of 4 stars; one submission).

Allele frequency attached by ClinVar (database versions not stated): gnomAD 0.00001.
gnomAD v4.1: 1 of 1,613,972 alleles (0.000062%); highest among the groups gnomAD compares: Admixed American, 0.0017%; no homozygotes.

Submission:

Labcorp Genetics (formerly Invitae), Labcorp
Classification: Uncertain significance. Last evaluated: 2021-08-17. Review status: criteria provided, single submitter. Criteria: Invitae Variant Classification Sherloc (09022015). Collection method: clinical testing. Allele origin: germline.
Comment: In summary, the available evidence is currently insufficient to determine the role of this variant in disease. Therefore, it has been classified as a Variant of Uncertain Significance. Algorithms developed to predict the effect of missense changes on protein structure and function are either unavailable or do not agree on the potential impact of this missense change (SIFT: "Deleterious"; PolyPhen-2: "Probably Damaging"; Align-GVGD: "Class C0"). This variant has not been reported in the literature in individuals affected with WHRN-related conditions. This variant is not present in population databases (ExAC no frequency). This sequence change replaces glutamic acid with lysine at codon 886 of the WHRN protein (p.Glu886Lys). The glutamic acid residue is highly conserved and there is a small physicochemical difference between glutamic acid and lysine.